The following is an entry in ClinVar:

ClinVar aggregate classification (germline): Uncertain significance (1 of 4 stars; one submission).

Conditions:
Inborn genetic diseases. Identifiers: MedGen C0950123, MeSH D030342.

gnomAD v4.1: 1 of 1,613,686 alleles (0.000062%); highest among the groups gnomAD compares: Non-Finnish European, 0.000085%; no homozygotes.

Submission:

Ambry Genetics
Classification: Uncertain significance for Inborn genetic diseases. Last evaluated: 2025-07-18. Review status: criteria provided, single submitter. Criteria: Ambry Variant Classification Scheme 2023. Collection method: clinical testing. Allele origin: germline.
Comment: The p.S1107R variant (also known as c.3321T>A), located in coding exon 15 of the MECOM gene, results from a T to A substitution at nucleotide position 3321. The serine at codon 1107 is replaced by arginine, an amino acid with dissimilar properties. This amino acid position is conserved. In addition, this alteration is predicted to be tolerated by in silico analysis. Based on the available evidence, the clinical significance of this variant remains unclear.

NM_004991.4(MECOM):c.3321T>A (p.Ser1107Arg)

Gene: MECOM (MDS1 and EVI1 complex locus; minus strand). Cytogenetic location: 3q26.2.
Variant type: single nucleotide variant.
Coding change: c.3321T>A on transcript NM_004991.4 (MANE Select); coding-DNA position 3321, T replaced by A.
Protein change: p.Ser1107Arg; replaces serine 1107 with arginine.
Molecular consequence: missense variant.
Genome position (GRCh38, 1-based): chr3:169,090,080, A>T on the plus strand (T>A on the coding strand, the complement: MECOM is on the minus strand). VCF-style: chr3-169090080-A-T. GRCh37 (hg19) VCF-style: chr3-168807868-A-T.
Other names: c.2952T>A, p.Ser984Arg (NM_001105077.4); c.2757T>A, p.Ser919Arg (NM_001105078.4, NM_001205194.2, NM_001366469.2 and 1 more transcripts); c.2733T>A, p.Ser911Arg (NM_001163999.2, NM_001366470.2); c.2730T>A, p.Ser910Arg (NM_001164000.2, NM_001366471.2, NM_001366472.2); c.3294T>A, p.Ser1098Arg (NM_001366466.2); c.2760T>A, p.Ser920Arg (NM_001366467.2, NM_001366468.2); c.2322T>A, p.Ser774Arg (NM_001366473.2); c.1758T>A, p.Ser586Arg (NM_001366474.2); short protein forms S1098R, S586R, S774R, S910R, S919R, S1107R, S911R, S984R.
Identifiers: ClinVar variation 4105781 (VCV004105781.1).